The following is an entry in ClinVar:

ClinVar aggregate classification (germline): Uncertain significance (1 of 4 stars; one submission).

Conditions:
Duchenne muscular dystrophy (DMD). Also called: MUSCULAR DYSTROPHY, PSEUDOHYPERTROPHIC PROGRESSIVE, DUCHENNE TYPE; Duchenne Muscular Dystrophy (DMD). Identifiers: Orphanet 98896, MedGen C0013264, MONDO:0010679, OMIM 310200.

Submission:

Labcorp Genetics (formerly Invitae), Labcorp
Classification: Uncertain significance for Duchenne muscular dystrophy. Last evaluated: 2025-10-02. Review status: criteria provided, single submitter. Criteria: Invitae Variant Classification Sherloc (09022015). Collection method: clinical testing. Allele origin: germline.
Comment: This sequence change replaces tryptophan, which is neutral and slightly polar, with cysteine, which is neutral and slightly polar, at codon 2302 of the DMD protein (p.Trp2302Cys). This variant is not present in population databases (gnomAD no frequency). This variant has not been reported in the literature in individuals affected with DMD-related conditions. ClinVar contains an entry for this variant (Variation ID: 2755361). Invitae Evidence Modeling of protein sequence and biophysical properties (such as structural, functional, and spatial information, amino acid conservation, physicochemical variation, residue mobility, and thermodynamic stability) indicates that this missense variant is not expected to disrupt DMD protein function with a negative predictive value of 95%. In summary, the available evidence is currently insufficient to determine the role of this variant in disease. Therefore, it has been classified as a Variant of Uncertain Significance.

NM_004006.3(DMD):c.6906G>C (p.Trp2302Cys)

Gene: DMD (dystrophin; minus strand). Cytogenetic location: Xp21.1.
Variant type: single nucleotide variant.
Coding change: c.6906G>C on transcript NM_004006.3 (MANE Select); coding-DNA position 6906, G replaced by C.
Protein change: p.Trp2302Cys; replaces tryptophan 2302 with cysteine.
Molecular consequence: missense variant. On other transcripts: 5 prime UTR variant (5).
Genome position (GRCh38, 1-based): chrX:31,929,602, C>G on the plus strand (G>C on the coding strand, the complement: DMD is on the minus strand). VCF-style: chrX-31929602-C-G. GRCh37 (hg19) VCF-style: chrX-31947719-C-G.
Other names: c.6882G>C, p.Trp2294Cys (NM_000109.4); c.6894G>C, p.Trp2298Cys (NM_004009.3); c.6537G>C, p.Trp2179Cys (NM_004010.3); c.2883G>C, p.Trp961Cys (NM_004011.4); c.2874G>C, p.Trp958Cys (NM_004012.4); c.-475G>C (NM_004013.3, NM_004020.4, NM_004021.3 and 2 more transcripts); short protein forms W2179C, W2294C, W958C, W2302C, W2298C, W961C.
Identifiers: ClinVar variation 2755361 (VCV002755361.3), dbSNP rs398124036, ClinGen allele CA412657764.